The following is an entry in ClinVar:

ClinVar aggregate classification (germline): Uncertain significance (1 of 4 stars; one submission).

Conditions:
Hereditary cancer-predisposing syndrome. Also called: Neoplastic Syndromes, Hereditary; Tumor predisposition; Hereditary Cancer Syndrome; Hereditary neoplastic syndrome. Identifiers: Orphanet 140162, MedGen C0027672, MeSH D009386, MONDO:0015356.

Submission:

Ambry Genetics
Classification: Uncertain significance for Hereditary cancer-predisposing syndrome. Last evaluated: 2025-11-04. Review status: criteria provided, single submitter. Criteria: Ambry Variant Classification Scheme 2023. Collection method: clinical testing. Allele origin: germline.
Comment: The p.S287T variant (also known as c.860G>C), located in coding exon 3 of the ALK gene, results from a G to C substitution at nucleotide position 860. The serine at codon 287 is replaced by threonine, an amino acid with similar properties. This amino acid position is conserved. In addition, this alteration is predicted to be tolerated by in silico analysis. Based on the available evidence, the clinical significance of this variant remains unclear.

NM_004304.5(ALK):c.860G>C (p.Ser287Thr)

Gene: ALK (ALK receptor tyrosine kinase; minus strand). Cytogenetic location: 2p23.2.
Variant type: single nucleotide variant.
Coding change: c.860G>C on transcript NM_004304.5 (MANE Select); coding-DNA position 860, G replaced by C.
Protein change: p.Ser287Thr; replaces serine 287 with threonine.
Molecular consequence: missense variant.
Genome position (GRCh38, 1-based): chr2:29,694,942, C>G on the plus strand (G>C on the coding strand, the complement: ALK is on the minus strand). VCF-style: chr2-29694942-C-G. GRCh37 (hg19) VCF-style: chr2-29917808-C-G.
Other names: short protein forms S287T.
Identifiers: ClinVar variation 4678077 (VCV004678077.1).